The following is an entry in ClinVar:

NM_004787.4(SLIT2):c.3219C>T (p.Cys1073=)

Gene: SLIT2 (slit guidance ligand 2; plus strand). Cytogenetic location: 4p15.31.
Variant type: single nucleotide variant.
Coding change: c.3219C>T on transcript NM_004787.4 (MANE Select); coding-DNA position 3219, C replaced by T.
Protein change: p.Cys1073=; no amino-acid change (cysteine 1073 retained).
Molecular consequence: synonymous variant.
Genome position (GRCh38, 1-based): chr4:20,595,733, C>T. VCF-style: chr4-20595733-C-T. GRCh37 (hg19) VCF-style: chr4-20597356-C-T.
Other names: c.3207C>T, p.Cys1069= (NM_001289135.3); c.3195C>T, p.Cys1065= (NM_001289136.3).
Identifiers: ClinVar variation 3051488 (VCV003051488.2), dbSNP rs372434910, ClinGen allele CA2872113.

ClinVar aggregate classification (germline): Likely benign (0 of 4 stars; one submission).

Conditions:
SLIT2-related disorder. Also called: SLIT2-related condition.

Allele frequency attached by ClinVar (database versions not stated): ExAC 0.00004; TOPMed 0.00004; ESP Exome Variant Server 0.00008; gnomAD 0.00008; gnomAD exomes 0.00012.
gnomAD v4.1: 187 of 1,613,922 alleles (0.012%); highest among the groups gnomAD compares: Non-Finnish European, 0.014%; no homozygotes.

Submission:

PreventionGenetics, part of Exact Sciences
Classification: Likely benign for SLIT2-related condition. Last evaluated: 2020-01-08. Review status: no assertion criteria provided. Collection method: clinical testing. Allele origin: germline.
Comment: This variant is classified as likely benign based on ACMG/AMP sequence variant interpretation guidelines (Richards et al. 2015 PMID: 25741868, with internal and published modifications).